The following is an entry in ClinVar:

ClinVar aggregate classification (germline): Uncertain significance. Review status: criteria provided, multiple submitters, no conflicts (2 of 4 stars). 2 submissions from 2 submitters: Uncertain significance (2). Last evaluated 2025-04-30.

Conditions:
Inborn genetic diseases. Identifiers: MedGen C0950123, MeSH D030342.

gnomAD v4.1: 24 of 1,614,008 alleles (0.0015%); highest among the groups gnomAD compares: Admixed American, 0.0033%; no homozygotes.

Submissions (2):

Ambry Genetics
Classification: Uncertain significance for Inborn genetic diseases. Last evaluated: 2025-04-30. Review status: criteria provided, single submitter. Criteria: Ambry Variant Classification Scheme 2023. Collection method: clinical testing. Allele origin: germline.

Labcorp Genetics (formerly Invitae), Labcorp
Classification: Uncertain significance. Last evaluated: 2024-09-20. Review status: criteria provided, single submitter. Criteria: Invitae Variant Classification Sherloc (09022015). Collection method: clinical testing. Allele origin: germline.
Comment: This sequence change replaces aspartic acid, which is acidic and polar, with asparagine, which is neutral and polar, at codon 301 of the NSUN3 protein (p.Asp301Asn). This variant is present in population databases (rs201283550, gnomAD 0.01%). This variant has not been reported in the literature in individuals affected with NSUN3-related conditions. An algorithm developed to predict the effect of missense changes on protein structure and function (PolyPhen-2) suggests that this variant is likely to be tolerated. In summary, the available evidence is currently insufficient to determine the role of this variant in disease. Therefore, it has been classified as a Variant of Uncertain Significance.

NM_022072.5(NSUN3):c.901G>A (p.Asp301Asn)

Gene: NSUN3 (NOP2/Sun RNA methyltransferase 3; plus strand). Cytogenetic location: 3q11.2.
Variant type: single nucleotide variant.
Coding change: c.901G>A on transcript NM_022072.5 (MANE Select); coding-DNA position 901, G replaced by A.
Protein change: p.Asp301Asn; replaces aspartic acid 301 with asparagine.
Molecular consequence: missense variant.
Genome position (GRCh38, 1-based): chr3:94,126,368, G>A. VCF-style: chr3-94126368-G-A. GRCh37 (hg19) VCF-style: chr3-93845212-G-A.
Other names: c.901G>A (NM_022072.3); short protein forms D301N.
Identifiers: ClinVar variation 3627128 (VCV003627128.3).
Genomic context (GRCh38, chr3:94,126,368, plus strand): 5'-AACTCCCACGGTAACATCATGCCTATGGACATTAAAGGAATAGCAAGGACTTGCTCCCAC[G>A]ACTTCACATTTGCTCCCACTGGCCAGGAATGTGGGCTCTTAGTGATTCCAGATAAGGGCA-3'
Protein context (NP_071355.1, residues 291-311): IKGIARTCSH[Asp301Asn]FTFAPTGQEC